The following is an entry in ClinVar:

ClinVar aggregate classification (germline): Benign/Likely benign. Review status: criteria provided, multiple submitters, no conflicts (2 of 4 stars). 6 submissions from 6 submitters: Benign (3); Likely benign (3). Last evaluated 2026-02-03.

Conditions:
Idiopathic generalized epilepsy. Also called: Generalised epilepsy; EIG. Identifiers: MedGen C0270850, MONDO:0005579, OMIM 600669.
Hyperaldosteronism, familial, type IV (HALD4). Also called: FH IV; ALDOSTERONISM, PRIMARY, AND HYPERTENSION. Identifiers: Orphanet 642671, MedGen C4310756, MONDO:0014875, OMIM 617027.

Allele frequency attached by ClinVar (database versions not stated): 1000 Genomes Project 0.00040; 1000 Genomes Project 30x 0.00062; gnomAD 0.00161 and 0.00164; TOPMed 0.00168; gnomAD exomes 0.00225; ESP Exome Variant Server 0.00341; ExAC 0.00570.
gnomAD v4.1: 4,076 of 1,574,574 alleles (0.26%); highest among the groups gnomAD compares: Non-Finnish European, 0.3%; 11 homozygotes.

Submissions (6):

Labcorp Genetics (formerly Invitae), Labcorp
Classification: Benign for Idiopathic generalized epilepsy; Hyperaldosteronism, familial, type IV. Last evaluated: 2026-02-03. Review status: criteria provided, single submitter. Criteria: Invitae Variant Classification Sherloc (09022015). Collection method: clinical testing. Allele origin: germline.

Athena Diagnostics
Classification: Benign. Last evaluated: 2025-02-25. Review status: criteria provided, single submitter. Criteria: Athena Diagnostics Criteria. Collection method: clinical testing. Allele origin: unknown.
Comment: The frequency of this variant in the general population is higher than would generally be expected for pathogenic variants in this gene.

CeGaT Center for Human Genetics Tuebingen
Classification: Benign. Last evaluated: 2025-02-01. Review status: criteria provided, single submitter. Criteria: CeGaT Center For Human Genetics Tuebingen Variant Classification Criteria Version 2. Collection method: clinical testing. Allele origin: germline. Affected: yes. Observed: 1 variant allele.
Comment: CACNA1H: BS1, BS2

Blueprint Genetics
Classification: Likely benign. Last evaluated: 2024-11-08. Review status: criteria provided, single submitter. Criteria: ACMG Guidelines, 2015. Collection method: clinical testing. Allele origin: germline.

Laboratorio de Genetica e Diagnostico Molecular, Hospital Israelita Albert Einstein
Classification: Likely benign. Last evaluated: 2020-01-03. Review status: criteria provided, single submitter. Criteria: ACMG Guidelines, 2015. Collection method: clinical testing. Allele origin: germline. Affected: yes.
Comment: ACMG classification criteria: BS1, BP1, BP4

Center for Pediatric Genomic Medicine, Children's Mercy Hospital and Clinics
Classification: Likely benign. Last evaluated: 2016-12-02. Review status: criteria provided, single submitter. Criteria: ACMG Guidelines, 2015. Collection method: clinical testing. Allele origin: germline.
ClinVar note: Converted during submission from Likely Benign to Likely benign.

Literature cited by the submitters: PubMed 36786913 (cited by Athena Diagnostics).

NM_021098.3(CACNA1H):c.2759C>T (p.Thr920Met)

Gene: CACNA1H (calcium voltage-gated channel subunit alpha1 H; plus strand). Cytogenetic location: 16p13.3.
Variant type: single nucleotide variant.
Coding change: c.2759C>T on transcript NM_021098.3 (MANE Select); coding-DNA position 2759, C replaced by T.
Protein change: p.Thr920Met; replaces threonine 920 with methionine.
Molecular consequence: missense variant.
Genome position (GRCh38, 1-based): chr16:1,206,259, C>T. VCF-style: chr16-1206259-C-T. GRCh37 (hg19) VCF-style: chr16-1256259-C-T.
Other names: c.2759C>T, p.Thr920Met (NM_001005407.2); short protein forms T920M.
Identifiers: ClinVar variation 376802 (VCV000376802.31), dbSNP rs59052554, ClinGen allele CA7800416.